The following is an entry in ClinVar:

NM_001267550.2(TTN):c.82385C>A (p.Thr27462Lys)

Genes: TTN-AS1 (TTN antisense RNA 1; plus strand), TTN (titin; minus strand). Cytogenetic location: 2q31.2.
Variant type: single nucleotide variant.
Coding change: c.82385C>A on transcript NM_001267550.2 (MANE Select); coding-DNA position 82385, C replaced by A.
Protein change: p.Thr27462Lys; replaces threonine 27462 with lysine.
Molecular consequence: missense variant.
Genome position (GRCh38, 1-based): chr2:178,563,747, G>T on the plus strand (C>A on the coding strand, the complement: TTN is on the minus strand). VCF-style: chr2-178563747-G-T. GRCh37 (hg19) VCF-style: chr2-179428474-G-T.
Other names: p.T25821K:ACG>AAG; c.77462C>A, p.Thr25821Lys (NM_001256850.1); c.74681C>A, p.Thr24894Lys (NM_133378.4); c.55190C>A, p.Thr18397Lys (NM_003319.4); c.55565C>A, p.Thr18522Lys (NM_133432.3); c.55766C>A, p.Thr18589Lys (NM_133437.4); short protein forms T27462K, T24894K, T25821K, T18397K, T18522K, T18589K.
Identifiers: ClinVar variation 47410 (VCV000047410.72), dbSNP rs55933739, ClinGen allele CA283894.

ClinVar aggregate classification (germline): Benign/Likely benign. Review status: criteria provided, multiple submitters, no conflicts (2 of 4 stars). 24 submissions from 17 submitters: Benign (20); Likely benign (3). 1 of the submissions does not count toward it. Last evaluated 2026-02-03.

Conditions:
Cardiovascular phenotype. Identifiers: MedGen CN230736.
Dilated cardiomyopathy 1G (CMD1G). Identifiers: Orphanet 154, MedGen C1858763, MONDO:0011400, OMIM 604145.
Autosomal recessive limb-girdle muscular dystrophy type 2J (LGMDR10). Also called: Limb-girdle muscular dystrophy, type 2J; MUSCULAR DYSTROPHY, LIMB-GIRDLE, AUTOSOMAL RECESSIVE 10. Identifiers: Orphanet 140922, MedGen C1837342, MONDO:0012127, OMIM 608807.
Myopathy, myofibrillar, 9, with early respiratory failure (MFM9). Also called: Hereditary myopathy with early respiratory failure; Myopathy, distal, with early respiratory failure, autosomal dominant; EDSTROM MYOPATHY; MYOPATHY, PROXIMAL, WITH EARLY RESPIRATORY MUSCLE INVOLVEMENT. Identifiers: Orphanet 178464, Orphanet 34521, MedGen C1863599, MONDO:0011362, OMIM 603689.
Tibial muscular dystrophy (TMD). Also called: Udd Distal Myopathy – Tibial Muscular Dystrophy; Tibial muscular dystrophy, tardive; UDD MYOPATHY. Identifiers: Orphanet 609, MedGen C1838244, MONDO:0010870, OMIM 600334.
Early-onset myopathy with fatal cardiomyopathy (CMYO5). Also called: Salih Myopathy; CONGENITAL MYOPATHY 5 WITH CARDIOMYOPATHY. Identifiers: Orphanet 289377, MedGen C2673677, MONDO:0012714, OMIM 611705. Disease mechanism: loss of function.
Hypertrophic cardiomyopathy 9. Also called: Familial hypertrophic cardiomyopathy 9. Identifiers: MedGen C1861065, MONDO:0013412, OMIM 613765.
Cardiomyopathy (CMYO). Also called: Cardiomyopathies. Identifiers: Orphanet 167848, MedGen C0878544, MONDO:0004994, HP:0001638. Inheritance: Various modes of inheritance.

Allele frequency attached by ClinVar (database versions not stated): ESP Exome Variant Server 0.01553; 1000 Genomes Project 0.01558; TOPMed 0.01628; 1000 Genomes Project 30x 0.01640.
gnomAD v4.1: 5,235 of 1,613,638 alleles (0.32%); highest among the groups gnomAD compares: African/African-American, 5.1%; 102 homozygotes.

Submissions (24):

Labcorp Genetics (formerly Invitae), Labcorp
Classification: Benign for Dilated cardiomyopathy 1G; Autosomal recessive limb-girdle muscular dystrophy type 2J. Last evaluated: 2026-02-03. Review status: criteria provided, single submitter. Criteria: Invitae Variant Classification Sherloc (09022015). Collection method: clinical testing. Allele origin: germline.

ARUP Laboratories, Molecular Genetics and Genomics, ARUP Laboratories
Classification: Benign. Last evaluated: 2025-06-25. Review status: criteria provided, single submitter. Criteria: ARUP Molecular Germline Variant Investigation Process 2024. Collection method: clinical testing. Allele origin: germline.

Molecular Diagnostic Laboratory for Inherited Cardiovascular Disease, Montreal Heart Institute
Classification: Benign. Last evaluated: 2025-04-09. Review status: criteria provided, single submitter. Criteria: ACMG Guidelines, 2015. Collection method: clinical testing. Allele origin: germline. Affected: no.

Athena Diagnostics
Classification: Benign. Last evaluated: 2024-10-16. Review status: criteria provided, single submitter. Criteria: Athena Diagnostics Criteria. Collection method: clinical testing. Allele origin: unknown.

Mayo Clinic Laboratories, Mayo Clinic
Classification: Benign. Last evaluated: 2023-11-06. Review status: criteria provided, single submitter. Criteria: ACMG Guidelines, 2015. Collection method: clinical testing. Allele origin: germline. Observed: 28 variant alleles.
Comment: BA1

CeGaT Center for Human Genetics Tuebingen
Classification: Benign. Last evaluated: 2023-01-01. Review status: criteria provided, single submitter. Criteria: CeGaT Center For Human Genetics Tuebingen Variant Classification Criteria Version 2. Collection method: clinical testing. Allele origin: germline. Affected: yes. Observed: 6 variant alleles.
Comment: TTN: BP4, BS1, BS2

Fulgent Genetics
Classification: Benign for Tibial muscular dystrophy; Myopathy, myofibrillar, 9, with early respiratory failure; Dilated cardiomyopathy 1G; Autosomal recessive limb-girdle muscular dystrophy type 2J; Early-onset myopathy with fatal cardiomyopathy; Hypertrophic cardiomyopathy 9. Last evaluated: 2021-11-02. Review status: criteria provided, single submitter. Criteria: ACMG Guidelines, 2015. Collection method: clinical testing. Allele origin: unknown.

Genome-Nilou Lab
Classification: Benign for Autosomal recessive limb-girdle muscular dystrophy type 2J. Last evaluated: 2021-09-10. Review status: criteria provided, single submitter. Criteria: ACMG Guidelines, 2015. Collection method: clinical testing. Allele origin: germline. Affected: no.

Genome-Nilou Lab
Classification: Benign for Myopathy, myofibrillar, 9, with early respiratory failure. Last evaluated: 2021-09-10. Review status: criteria provided, single submitter. Criteria: ACMG Guidelines, 2015. Collection method: clinical testing. Allele origin: germline. Affected: no.

Genome-Nilou Lab
Classification: Benign for Early-onset myopathy with fatal cardiomyopathy. Last evaluated: 2021-09-10. Review status: criteria provided, single submitter. Criteria: ACMG Guidelines, 2015. Collection method: clinical testing. Allele origin: germline. Affected: no.

Genome-Nilou Lab
Classification: Benign for Tibial muscular dystrophy. Last evaluated: 2021-09-10. Review status: criteria provided, single submitter. Criteria: ACMG Guidelines, 2015. Collection method: clinical testing. Allele origin: germline. Affected: no.

Women's Health and Genetics/Laboratory Corporation of America, LabCorp
Classification: Likely benign. Last evaluated: 2020-02-01. Review status: criteria provided, single submitter. Criteria: LabCorp Variant Classification Summary - May 2015. Collection method: clinical testing. Allele origin: germline.

Illumina Laboratory Services, Illumina
Classification: Benign for Myopathy, myofibrillar, 9, with early respiratory failure. Last evaluated: 2018-01-13. Review status: criteria provided, single submitter. Criteria: ICSL Variant Classification Criteria 13 December 2019. Collection method: clinical testing. Allele origin: germline.
Comment: This variant was observed in the ICSL laboratory as part of a predisposition screen in an ostensibly healthy population. It had not been previously curated by ICSL or reported in the Human Gene Mutation Database (HGMD: prior to June 1st, 2018), and was therefore a candidate for classification through an automated scoring system. Utilizing variant allele frequency, disease prevalence and penetrance estimates, and inheritance mode, an automated score was calculated to assess if this variant is too frequent to cause the disease. Based on the score and internal cut-off values, a variant classified as benign is not then subjected to further curation. The score for this variant resulted in a classification of benign for this disease.

Illumina Laboratory Services, Illumina
Classification: Likely benign for Dilated cardiomyopathy 1G. Last evaluated: 2018-01-13. Review status: criteria provided, single submitter. Criteria: ICSL Variant Classification Criteria 13 December 2019. Collection method: clinical testing. Allele origin: germline.
Comment: This variant was observed in the ICSL laboratory as part of a predisposition screen in an ostensibly healthy population. It had not been previously curated by ICSL or reported in the Human Gene Mutation Database (HGMD: prior to June 1st, 2018), and was therefore a candidate for classification through an automated scoring system. Utilizing variant allele frequency, disease prevalence and penetrance estimates, and inheritance mode, an automated score was calculated to assess if this variant is too frequent to cause the disease. Based on the score and internal cut-off values, a variant classified as likely benign is not then subjected to further curation. The score for this variant resulted in a classification of likely benign for this disease.

Illumina Laboratory Services, Illumina
Classification: Benign for Early-onset myopathy with fatal cardiomyopathy. Last evaluated: 2018-01-13. Review status: criteria provided, single submitter. Criteria: ICSL Variant Classification Criteria 13 December 2019. Collection method: clinical testing. Allele origin: germline.
Comment: the same text as in the submission from Illumina Laboratory Services, Illumina above.

Illumina Laboratory Services, Illumina
Classification: Benign for Autosomal recessive limb-girdle muscular dystrophy type 2J. Last evaluated: 2018-01-13. Review status: criteria provided, single submitter. Criteria: ICSL Variant Classification Criteria 13 December 2019. Collection method: clinical testing. Allele origin: germline.
Comment: the same text as in the submission from Illumina Laboratory Services, Illumina above.

Illumina Laboratory Services, Illumina
Classification: Benign for Tibial muscular dystrophy. Last evaluated: 2018-01-13. Review status: criteria provided, single submitter. Criteria: ICSL Variant Classification Criteria 13 December 2019. Collection method: clinical testing. Allele origin: germline.
Comment: the same text as in the submission from Illumina Laboratory Services, Illumina above.

CHEO Genetics Diagnostic Laboratory, Children's Hospital of Eastern Ontario
Classification: Benign for Cardiomyopathy. Last evaluated: 2015-10-23. Review status: criteria provided, single submitter. Criteria: ACMG Guidelines, 2015. Collection method: clinical testing. Allele origin: germline. Study: Canadian Open Genetics Repository.

Biesecker Lab/Clinical Genomics Section, National Institutes of Health
Classification: Benign. Last evaluated: 2013-06-24. Review status: criteria provided, single submitter. Criteria: Ng et al. (Circ Cardiovasc Genet. 2013). Collection method: research. Allele origin: unknown. Observed: 8 variant alleles. Study: ClinSeq.
Comment: The study set was not selected for affection status in relation to any cancer. Pathogenicity categories were based on literature curation. See Pubmed ID:23861362 for details.

Medical sequencing

GeneDx
Classification: Benign. Last evaluated: 2013-04-26. Review status: criteria provided, single submitter. Criteria: GeneDx Variant Classification (06012015). Collection method: clinical testing. Allele origin: germline. Affected: yes.
Comment: This variant is considered likely benign or benign based on one or more of the following criteria: it is a conservative change, it occurs at a poorly conserved position in the protein, it is predicted to be benign by multiple in silico algorithms, and/or has population frequency not consistent with disease.

Ambry Genetics
Classification: Benign for Cardiovascular phenotype. Last evaluated: 2013-01-24. Review status: criteria provided, single submitter. Criteria: Ambry Autosomal Dominant and X-Linked criteria (10/2015). Collection method: clinical testing. Allele origin: germline. Observed: 1 variant allele.

Laboratory for Molecular Medicine, Mass General Brigham Personalized Medicine
Classification: Benign. Last evaluated: 2012-07-24. Review status: criteria provided, single submitter. Criteria: LMM Criteria. Collection method: clinical testing. Allele origin: germline. Observed: 25 variant alleles.
Comment: 4.7% (179/3828) of Afr Amer chrom in ESP

Breakthrough Genomics
Classification: Likely benign. Review status: criteria provided, single submitter. Criteria: ACMG Guidelines, 2015. Collection method: not provided. Allele origin: germline. Inheritance: Autosomal recessive inheritance. Affected: yes.

Genetic Services Laboratory, University of Chicago
Classification: Likely benign for AllHighlyPenetrant. Review status: no assertion criteria provided. Collection method: clinical testing. Allele origin: germline. Not counted in ClinVar's aggregate classification.
Comment: Likely benign based on allele frequency in 1000 Genomes Project or ESP global frequency and its presence in a patient with a rare or unrelated disease phenotype. NOT Sanger confirmed.

Literature cited by the submitters: PubMed 23861362 (cited by Athena Diagnostics).